The following is an entry in ClinVar:

ClinVar aggregate classification (germline): Uncertain significance (1 of 4 stars; one submission).

Conditions:
Hereditary pancreatitis (PCTT). Also called: Hereditary chronic pancreatitis; PRSS1-Related Hereditary Pancreatitis. Identifiers: Orphanet 676, MedGen C0238339, MONDO:0008185, OMIM 167800.

Allele frequency attached by ClinVar (database versions not stated): gnomAD exomes below 0.00001.

Submission:

Ambry Genetics
Classification: Uncertain significance for Hereditary pancreatitis. Last evaluated: 2023-11-08. Review status: criteria provided, single submitter. Criteria: Ambry Variant Classification Scheme 2023. Collection method: clinical testing. Allele origin: germline.
Comment: The p.M104L variant (also known as c.310A>T), located in coding exon 3 of the CPA1 gene, results from an A to T substitution at nucleotide position 310. The methionine at codon 104 is replaced by leucine, an amino acid with highly similar properties. This amino acid position is conserved. In addition, this alteration is predicted to be tolerated by in silico analysis. Since supporting evidence is limited at this time, the clinical significance of this alteration remains unclear.

NM_001868.4(CPA1):c.310A>T (p.Met104Leu)

Gene: CPA1 (carboxypeptidase A1; plus strand). Cytogenetic location: 7q32.2.
Variant type: single nucleotide variant.
Coding change: c.310A>T on transcript NM_001868.4 (MANE Select); coding-DNA position 310, A replaced by T.
Protein change: p.Met104Leu; replaces methionine 104 with leucine.
Molecular consequence: missense variant.
Genome position (GRCh38, 1-based): chr7:130,381,792, A>T. VCF-style: chr7-130381792-A-T. GRCh37 (hg19) VCF-style: chr7-130021633-A-T.
Other names: short protein forms M104L.
Identifiers: ClinVar variation 3221818 (VCV003221818.1), dbSNP rs2536005397, ClinGen allele CA369280289.
Genomic context (GRCh38, chr7:130,381,792, plus strand): 5'-ATCAGCTATGAGACCATGATCGAGGACGTGCAGTCGCTGCTGGACGAGGAGCAGGAGCAG[A>T]TGTTCGCCTTCCGGTCCCGGGCGCGCTCCACCGACACTTTTAACTACGCCACCTACCACA-3'
Protein context (NP_001859.1, residues 94-114): QSLLDEEQEQ[Met104Leu]FAFRSRARST